The following is an entry in ClinVar:

NM_018263.6(ASXL2):c.2594_2595delinsAC (p.Ile865Asn)

Gene: ASXL2 (ASXL transcriptional regulator 2; minus strand). Cytogenetic location: 2p23.3.
Variant type: Indel.
Coding change: c.2594_2595delinsAC on transcript NM_018263.6 (MANE Select); coding-DNA positions 2594 to 2595, TA replaced by AC.
Protein change: p.Ile865Asn; replaces isoleucine 865 with asparagine.
Molecular consequence: missense variant.
Genome position (GRCh38, 1-based): chr2:25,743,742-25,743,743, TA replaced by GT on the plus strand (TA replaced by AC on the coding strand, the reverse complement: ASXL2 is on the minus strand). VCF-style: chr2-25743742-TA-GT. GRCh37 (hg19) VCF-style: chr2-25966611-TA-GT.
Other names: c.2420_2421delinsAC, p.Ile807Asn (NM_001369346.1); c.1814_1815delinsAC, p.Ile605Asn (NM_001369347.1); short protein forms I605N, I807N, I865N.
Identifiers: ClinVar variation 3062124 (VCV003062124.1), dbSNP rs2465305994, ClinGen allele CA2740092736.
Genomic context (GRCh38, chr2:25,743,742, plus strand): 5'-GGAGGGAGTTACAGCCACTGGCACACTAGCATCTGTCTTTGATGAGGCTGAAGGGTTAGG[TA>GT]TATTCTTACTAGGACCTGCTTTGAGCTCAACTGTGCCATCAGCTGCACAATGAACAGGTG-3'
Protein context (NP_060733.4, residues 855-875): VELKAGPSKN[Ile865Asn]PNPSASSKTD

ClinVar aggregate classification (germline): Uncertain significance (1 of 4 stars; one submission).

Conditions:
Shashi-Pena syndrome (SHAPNS). Identifiers: Orphanet 689408, MedGen C4310672, MONDO:0014963, OMIM 617190.

Submission:

Illumina Laboratory Services, Illumina
Classification: Uncertain significance for Shashi-Pena syndrome. Last evaluated: 2019-03-08. Review status: criteria provided, single submitter. Criteria: ICSLVariantClassificationCriteria RUGD 01 April 2020. Collection method: clinical testing. Allele origin: unknown.
Comment: The ASXL2 c.2594_2595delTAinsAC p.(Ile865Asn) missense variant, has not, to our knowledge, been reported in the peer-reviewed literature. is a missense variant. This variant is not observed in version 2.1.1 of the Genome Aggregation Database. Based on the limited evidence, the c.2594_2595delTAinsAC p.(Ile865Asn) variant is classified as a variant of uncertain significance for Shashi-Pena syndrome.